The following is an entry in ClinVar:

NM_000261.2(MYOC):c.1100_1103delinsT (p.Gly367_Gln368delinsVal)

Gene: MYOC (myocilin; minus strand). Cytogenetic location: 1q24.3.
Variant type: Indel.
Coding change: c.1100_1103delinsT on transcript NM_000261.2 (MANE Select); coding-DNA positions 1100 to 1103, GACA replaced by T.
Protein change: p.Gly367_Gln368delinsVal.
Molecular consequence: inframe indel.
Genome position (GRCh38, 1-based): chr1:171,636,337-171,636,340, TGTC replaced by A on the plus strand (GACA replaced by T on the coding strand, the reverse complement: MYOC is on the minus strand). VCF-style: chr1-171636337-TGTC-A. GRCh37 (hg19) VCF-style: chr1-171605477-TGTC-A.
Other names: NM_000261.2:c.1100_1103delinsT.
Identifiers: ClinVar variation 1342963 (VCV001342963.5), dbSNP rs2102944655, ClinGen allele CA1139532761.
Genomic context (GRCh38, chr1:171,636,337, plus strand): 5'-AGGCCTGCTTCATCCACAGCCAAGTCAATGTCCGTGTAGCCACCCCAAGAATACGGGAAC[TGTC>A]CGTGGTAGCCAGCTCCAGGGATTTCCTTCTCAGCCTTCACTGTCTCGGTATTCAGCTCAT-3'

ClinVar aggregate classification (germline): Likely pathogenic (3 of 4 stars; one submission).

Conditions:
Open-angle glaucoma. Identifiers: MedGen C0017612, MONDO:0005338, HP:0012108.

Submission:

ClinGen Glaucoma Variant Curation Expert Panel
Classification: Likely pathogenic for Open-angle glaucoma. Last evaluated: 2026-01-20. Review status: reviewed by expert panel. Criteria: ClinGen Glaucoma ACMG Specifications V2.0.0 Approved. Collection method: curation. Allele origin: germline. Inheritance: Autosomal dominant inheritance.
Comment: The c.1100_1103delinsT variant is predicted to cause a change in the length of the myocilin protein due to an in-frame deletion of Gly367 and Gln368 with an insertion of Valine (p.Gly367_Gln368delinsVal). This variant is predicted to cause a deletion of < 10% of the protein within the conserved olfactomedin domain, meeting PM4_Supporting. This variant was not found in any genetic ancestry group of gnomAD (v4.1.0), meeting the ≤ 0.0001 threshold set for PM2_Supporting in a genetic ancestry group of at least 10,000 alleles. There was no computational evidence predicting a damaging or benign impact of this variant on MYOC function. The Gly367_Gln368delinsVal protein had increased insolubility compared to wild type myocilin protein in this study (PMID: 10545602). The assay met the OddsPath threshold for PS3_Supporting (> 2.1), indicating that this variant did impact protein function. This protein has also been assessed in this other study (PMID: 16297911), however, the same level of evidence was not met. 20 segregations in 4 families, with juvenile or primary open angle glaucoma (JOAG or POAG), have been reported (PMID: 9639450), which fulfilled PP1_Strong (≥7 meioses in >1 family). 4 probands with JOAG or POAG have been reported carrying this variant (PMIDs: 9639450), which met PS4_Supporting (≥ 2 probands). In summary, this variant met the criteria to receive a score of 8 and to be classified as likely pathogenic (likely pathogenic classification range 6 to 9, adapted from PMID: 32720330) for juvenile open angle glaucoma based on the ACMG/AMP criteria met, as specified by the ClinGen Glaucoma VCEP (v2.0.0, 5 Dec 2024): PP1_Strong, PS3_Supporting, PS4_Supporting, PM2_Supporting, PM4_Supporting.

Literature cited by the submitters: PubMed 16297911.